The following is an entry in ClinVar:

ClinVar aggregate classification (germline): Uncertain significance (1 of 4 stars; one submission).

gnomAD v4.1: 3 of 1,613,860 alleles (0.00019%); highest among the groups gnomAD compares: East Asian, 0.0022%; no homozygotes.

Submission:

Dasa
Classification: Uncertain significance. Last evaluated: 2025-11-28. Review status: criteria provided, single submitter. Criteria: DASA Assertion Criteria. Collection method: clinical testing. Allele origin: germline.
Comment: NM_182961.4(SYNE1):c.16121T>C (p.Ile5374Thr) is a missense variant that results in the substitution of isoleucine with threonine. This variant is rare in population databases. Computational prediction algorithms are consistent with a benign effect. The currently available literature and clinical evidence are not sufficient to establish a definitive association between this variant and the reported condition. Therefore, this variant is classified as a variant of uncertain significance.

NM_182961.4(SYNE1):c.16121T>C (p.Ile5374Thr)

Gene: SYNE1 (spectrin repeat containing nuclear envelope protein 1; minus strand). Cytogenetic location: 6q25.2.
Variant type: single nucleotide variant.
Coding change: c.16121T>C on transcript NM_182961.4 (MANE Select); coding-DNA position 16121, T replaced by C.
Protein change: p.Ile5374Thr; replaces isoleucine 5374 with threonine.
Molecular consequence: missense variant.
Genome position (GRCh38, 1-based): chr6:152,321,353, A>G on the plus strand (T>C on the coding strand, the complement: SYNE1 is on the minus strand). VCF-style: chr6-152321353-A-G. GRCh37 (hg19) VCF-style: chr6-152642488-A-G.
Other names: c.15908T>C, p.Ile5303Thr (NM_033071.5); short protein forms I5303T, I5374T.
Identifiers: ClinVar variation 4884961 (VCV004884961.2).